The following is an entry in ClinVar:

NM_000448.3(RAG1):c.3071G>A (p.Ser1024Asn)

Gene: RAG1 (recombination activating 1; plus strand). Cytogenetic location: 11p12.
Variant type: single nucleotide variant.
Coding change: c.3071G>A on transcript NM_000448.3 (MANE Select); coding-DNA position 3071, G replaced by A.
Protein change: p.Ser1024Asn; replaces serine 1024 with asparagine.
Molecular consequence: missense variant.
Genome position (GRCh38, 1-based): chr11:36,576,375, G>A. VCF-style: chr11-36576375-G-A. GRCh37 (hg19) VCF-style: chr11-36597925-G-A.
Other names: c.3071G>A, p.Ser1024Asn (NM_001377277.1, NM_001377278.1, NM_001377279.1 and 1 more transcripts); short protein forms S1024N.
Identifiers: ClinVar variation 2132380 (VCV002132380.4), dbSNP rs745458919, ClinGen allele CA5950363.

ClinVar aggregate classification (germline): Uncertain significance (1 of 4 stars; one submission).

Conditions:
Severe combined immunodeficiency, autosomal recessive, T cell-negative, B cell-negative, NK cell-positive. Also called: Severe combined immunodeficiency due to complete RAG1/2 deficiency; SCID, T CELL-NEGATIVE, B CELL-NEGATIVE, NK CELL-POSITIVE; SCID, AR, T-cell negative, B-cell negative, NK cell-positive. Identifiers: Orphanet 331206, MedGen C1832322, MONDO:0011086, OMIM 601457.
Combined immunodeficiency with skin granulomas. Identifiers: Orphanet 157949, MedGen C2673536, MONDO:0009306, OMIM 233650.

Allele frequency attached by ClinVar (database versions not stated): ExAC 0.00001.
gnomAD v4.1: 1 of 1,614,066 alleles (0.000062%); highest among the groups gnomAD compares: Non-Finnish European, 0.000085%; no homozygotes.

Submission:

Labcorp Genetics (formerly Invitae), Labcorp
Classification: Uncertain significance for Combined immunodeficiency with skin granulomas; Severe combined immunodeficiency, autosomal recessive, T cell-negative, B cell-negative, NK cell-positive. Last evaluated: 2022-04-30. Review status: criteria provided, single submitter. Criteria: Invitae Variant Classification Sherloc (09022015). Collection method: clinical testing. Allele origin: germline.
Comment: This variant has not been reported in the literature in individuals affected with RAG1-related conditions. In summary, the available evidence is currently insufficient to determine the role of this variant in disease. Therefore, it has been classified as a Variant of Uncertain Significance. Advanced modeling of protein sequence and biophysical properties (such as structural, functional, and spatial information, amino acid conservation, physicochemical variation, residue mobility, and thermodynamic stability) performed at Invitae indicates that this missense variant is not expected to disrupt RAG1 protein function. This variant is present in population databases (rs745458919, gnomAD 0.0009%). This sequence change replaces serine, which is neutral and polar, with asparagine, which is neutral and polar, at codon 1024 of the RAG1 protein (p.Ser1024Asn).